The following is an entry in ClinVar:

NM_000875.5(IGF1R):c.3814_3828del (p.Pro1272_Glu1276del)

Gene: IGF1R (insulin like growth factor 1 receptor; plus strand). Cytogenetic location: 15q26.3.
Variant type: Deletion.
Coding change: c.3814_3828del on transcript NM_000875.5 (MANE Select); coding-DNA positions 3814 to 3828, 15 bases deleted (CCTGGCTTCCGGGAG).
Protein change: p.Pro1272_Glu1276del.
Molecular consequence: inframe deletion.
Genome position (GRCh38, 1-based): chr15:98,957,152-98,957,166, CCTGGCTTCCGGGAG deleted; deleting any 15 consecutive bases within chr15:98,957,148-98,957,166 gives the same sequence; the c. name uses the placement nearest the transcript's 3' end. VCF-style (leftmost placement, unchanged base first): chr15-98957147-TGGAGCCTGGCTTCCG-T. GRCh37 (hg19) VCF-style: chr15-99500376-TGGAGCCTGGCTTCCG-T.
Other names: c.3811_3825del, p.Pro1271_Glu1275del (NM_001291858.2).
Identifiers: ClinVar variation 3252668 (VCV003252668.1), dbSNP rs2506113124.

ClinVar aggregate classification (germline): Uncertain significance (1 of 4 stars; one submission).

Submission:

GeneDx
Classification: Uncertain significance. Last evaluated: 2023-10-09. Review status: criteria provided, single submitter. Criteria: GeneDx Variant Classification Process June 2021. Collection method: clinical testing. Allele origin: germline. Affected: yes.
Comment: Not observed at significant frequency in large population cohorts (gnomAD); In-frame deletion of 5 amino acids in a non-repeat region; In silico analysis supports a deleterious effect on protein structure/function; Located in a region that tolerates variation and lacks pathogenic variants; Has not been previously published as pathogenic or benign to our knowledge